The following is an entry in ClinVar:

NM_004586.3(RPS6KA3):c.137G>A (p.Ser46Asn)

Gene: RPS6KA3 (ribosomal protein S6 kinase A3; minus strand). Cytogenetic location: Xp22.12.
Variant type: single nucleotide variant.
Coding change: c.137G>A on transcript NM_004586.3 (MANE Select); coding-DNA position 137, G replaced by A.
Protein change: p.Ser46Asn; replaces serine 46 with asparagine.
Molecular consequence: missense variant.
Genome position (GRCh38, 1-based): chrX:20,209,394, C>T on the plus strand (G>A on the coding strand, the complement: RPS6KA3 is on the minus strand). VCF-style: chrX-20209394-C-T. GRCh37 (hg19) VCF-style: chrX-20227512-C-T.
Other names: short protein forms S46N.
Identifiers: ClinVar variation 1305045 (VCV001305045.7), dbSNP rs1187541060, ClinGen allele CA412513309.

ClinVar aggregate classification (germline): Conflicting classifications of pathogenicity. Review status: criteria provided, conflicting classifications (1 of 4 stars). 3 submissions from 3 submitters: Uncertain significance (2); Likely benign (1). Last evaluated 2025-11-19.

Conditions:
Inborn genetic diseases. Identifiers: MedGen C0950123, MeSH D030342.
Intellectual developmental disorder, X-linked 19. Also called: Intellectual disability, X-linked 19. Identifiers: Orphanet 777, MedGen C0796225, MONDO:0010447, OMIM 300844.
Coffin-Lowry syndrome (CLS). Also called: Mental retardation with osteocartilaginous abnormalities; COFFIN-LOWRY SYNDROME, MILD. Identifiers: Orphanet 192, MedGen C0265252, MONDO:0010561, OMIM 303600.

Allele frequency attached by ClinVar (database versions not stated): gnomAD exomes below 0.00001 and 0.00002.
gnomAD v4.1: 2 of 1,129,669 alleles (0.00018%); highest among the groups gnomAD compares: Non-Finnish European, 0.00024%; no homozygotes.

Submissions (3):

GeneDx
Classification: Uncertain significance. Last evaluated: 2025-11-19. Review status: criteria provided, single submitter. Criteria: GeneDx Variant Classification Process June 2021. Collection method: clinical testing. Allele origin: germline. Affected: yes.
Comment: In silico analysis suggests that this missense variant does not alter protein structure/function; Has not been previously published as pathogenic or benign to our knowledge

Labcorp Genetics (formerly Invitae), Labcorp
Classification: Likely benign for Coffin-Lowry syndrome; Intellectual developmental disorder, X-linked 19. Last evaluated: 2024-06-10. Review status: criteria provided, single submitter. Criteria: Invitae Variant Classification Sherloc (09022015). Collection method: clinical testing. Allele origin: germline.

Ambry Genetics
Classification: Uncertain significance for Inborn genetic diseases. Last evaluated: 2021-07-14. Review status: criteria provided, single submitter. Criteria: Ambry Variant Classification Scheme 2023. Collection method: clinical testing. Allele origin: germline.